The following is an entry in ClinVar:

ClinVar aggregate classification (germline): Uncertain significance. Review status: criteria provided, multiple submitters, no conflicts (2 of 4 stars). 2 submissions from 2 submitters: Uncertain significance (2). Last evaluated 2022-11-18.

Conditions:
Inborn genetic diseases. Identifiers: MedGen C0950123, MeSH D030342.

Allele frequency attached by ClinVar (database versions not stated): gnomAD 0.00005.
gnomAD v4.1: 97 of 1,610,610 alleles (0.006%); highest among the groups gnomAD compares: Non-Finnish European, 0.0075%; no homozygotes.

Submissions (2):

GeneDx
Classification: Uncertain significance. Last evaluated: 2022-11-18. Review status: criteria provided, single submitter. Criteria: GeneDx Variant Classification Process June 2021. Collection method: clinical testing. Allele origin: germline. Affected: yes.
Comment: Has not been previously published as pathogenic or benign to our knowledge; Not observed at significant frequency in large population cohorts (gnomAD); In silico analysis supports that this missense variant does not alter protein structure/function

Ambry Genetics
Classification: Uncertain significance for Inborn genetic diseases. Last evaluated: 2022-06-29. Review status: criteria provided, single submitter. Criteria: Ambry Variant Classification Scheme 2023. Collection method: clinical testing. Allele origin: germline.

NM_021978.4(ST14):c.814G>A (p.Gly272Ser)

Gene: ST14 (ST14 transmembrane serine protease matriptase; plus strand). Cytogenetic location: 11q24.3.
Variant type: single nucleotide variant.
Coding change: c.814G>A on transcript NM_021978.4 (MANE Select); coding-DNA position 814, G replaced by A.
Protein change: p.Gly272Ser; replaces glycine 272 with serine.
Molecular consequence: missense variant.
Genome position (GRCh38, 1-based): chr11:130,190,633, G>A. VCF-style: chr11-130190633-G-A. GRCh37 (hg19) VCF-style: chr11-130060528-G-A.
Other names: short protein forms G272S.
Identifiers: ClinVar variation 2240392 (VCV002240392.3), dbSNP rs746320143, ClinGen allele CA6363750.